The following is an entry in ClinVar:

ClinVar aggregate classification (germline): Uncertain significance (1 of 4 stars; one submission).

Conditions:
Inborn genetic diseases. Identifiers: MedGen C0950123, MeSH D030342.

Submission:

Ambry Genetics
Classification: Uncertain significance for Inborn genetic diseases. Last evaluated: 2025-01-23. Review status: criteria provided, single submitter. Criteria: Ambry Variant Classification Scheme 2023. Collection method: clinical testing. Allele origin: germline.
Comment: The p.T1214A variant (also known as c.3640A>G), located in coding exon 1 of the SAMD9L gene, results from an A to G substitution at nucleotide position 3640. The threonine at codon 1214 is replaced by alanine, an amino acid with similar properties. This amino acid position is conserved. In addition, this alteration is predicted to be tolerated by in silico analysis. Based on the available evidence, the clinical significance of this variant remains unclear.

NM_152703.5(SAMD9L):c.3640A>G (p.Thr1214Ala)

Gene: SAMD9L (sterile alpha motif domain containing 9 like; minus strand). Cytogenetic location: 7q21.2.
Variant type: single nucleotide variant.
Coding change: c.3640A>G on transcript NM_152703.5 (MANE Select); coding-DNA position 3640, A replaced by G.
Protein change: p.Thr1214Ala; replaces threonine 1214 with alanine.
Molecular consequence: missense variant.
Genome position (GRCh38, 1-based): chr7:93,132,332, T>C on the plus strand (A>G on the coding strand, the complement: SAMD9L is on the minus strand). VCF-style: chr7-93132332-T-C. GRCh37 (hg19) VCF-style: chr7-92761645-T-C.
Other names: c.3640A>G, p.Thr1214Ala (NM_001303496.3, NM_001303497.3, NM_001303498.3 and 5 more transcripts); short protein forms T1214A.
Identifiers: ClinVar variation 3792347 (VCV003792347.1).